The following is an entry in ClinVar:

NM_031935.3(HMCN1):c.16459C>T (p.Arg5487Cys)

Genes: HMCN1 (hemicentin 1; plus strand), LOC126805953 (P300/CBP strongly-dependent group 1 enhancer GRCh37_chr1:186156636-186157835; plus strand). Cytogenetic location: 1q31.1.
Variant type: single nucleotide variant.
Coding change: c.16459C>T on transcript NM_031935.3 (MANE Select); coding-DNA position 16459, C replaced by T.
Protein change: p.Arg5487Cys; replaces arginine 5487 with cysteine.
Molecular consequence: missense variant.
Genome position (GRCh38, 1-based): chr1:186,187,927, C>T. VCF-style: chr1-186187927-C-T. GRCh37 (hg19) VCF-style: chr1-186157059-C-T.
Other names: short protein forms R5487C.
Identifiers: ClinVar variation 3613474 (VCV003613474.2).
Genomic context (GRCh38, chr1:186,187,927, plus strand): 5'-CCTGTGCTGTCCCTAGATATCGATGAATGTCTGGAGCAGAATGTGCACTGTGGACCCAAT[C>T]GCATGTGCTTCAACATGAGAGGAAGCTACCAGTGCATCGATACACCCTGTCCACCCAACT-3'
Protein context (NP_114141.2, residues 5477-5497): LEQNVHCGPN[Arg5487Cys]MCFNMRGSYQ

ClinVar aggregate classification (germline): Uncertain significance (1 of 4 stars; one submission).

gnomAD v4.1: 14 of 1,613,778 alleles (0.00087%); highest among the groups gnomAD compares: East Asian, 0.0022%; no homozygotes.

Submission:

Labcorp Genetics (formerly Invitae), Labcorp
Classification: Uncertain significance. Last evaluated: 2024-05-29. Review status: criteria provided, single submitter. Criteria: Invitae Variant Classification Sherloc (09022015). Collection method: clinical testing. Allele origin: germline.
Comment: This sequence change replaces arginine, which is basic and polar, with cysteine, which is neutral and slightly polar, at codon 5487 of the HMCN1 protein (p.Arg5487Cys). This variant is present in population databases (rs192080238, gnomAD 0.006%). This variant has not been reported in the literature in individuals affected with HMCN1-related conditions. An algorithm developed to predict the effect of missense changes on protein structure and function (PolyPhen-2) suggests that this variant is likely to be tolerated. In summary, the available evidence is currently insufficient to determine the role of this variant in disease. Therefore, it has been classified as a Variant of Uncertain Significance.